The following is an entry in ClinVar:

ClinVar aggregate classification (germline): Uncertain significance (1 of 4 stars; one submission).

Allele frequency attached by ClinVar (database versions not stated): gnomAD exomes below 0.00001.
gnomAD v4.1: 1 of 1,613,332 alleles (0.000062%); highest among the groups gnomAD compares: Non-Finnish European, 0.000085%; no homozygotes.

Submission:

Labcorp Genetics (formerly Invitae), Labcorp
Classification: Uncertain significance. Last evaluated: 2022-10-17. Review status: criteria provided, single submitter. Criteria: Invitae Variant Classification Sherloc (09022015). Collection method: clinical testing. Allele origin: germline.
Comment: This sequence change replaces proline, which is neutral and non-polar, with serine, which is neutral and polar, at codon 1607 of the POLE protein (p.Pro1607Ser). In summary, the available evidence is currently insufficient to determine the role of this variant in disease. Therefore, it has been classified as a Variant of Uncertain Significance. Advanced modeling of protein sequence and biophysical properties (such as structural, functional, and spatial information, amino acid conservation, physicochemical variation, residue mobility, and thermodynamic stability) performed at Invitae indicates that this missense variant is expected to disrupt POLE protein function. This variant has not been reported in the literature in individuals affected with POLE-related conditions. This variant is not present in population databases (gnomAD no frequency).

NM_006231.4(POLE):c.4819C>T (p.Pro1607Ser)

Gene: POLE (DNA polymerase epsilon, catalytic subunit; minus strand). Cytogenetic location: 12q24.33.
Variant type: single nucleotide variant.
Coding change: c.4819C>T on transcript NM_006231.4 (MANE Select); coding-DNA position 4819, C replaced by T.
Protein change: p.Pro1607Ser; replaces proline 1607 with serine.
Molecular consequence: missense variant.
Genome position (GRCh38, 1-based): chr12:132,642,639, G>A on the plus strand (C>T on the coding strand, the complement: POLE is on the minus strand). VCF-style: chr12-132642639-G-A. GRCh37 (hg19) VCF-style: chr12-133219225-G-A.
Other names: short protein forms P1607S.
Identifiers: ClinVar variation 1948765 (VCV001948765.5), dbSNP rs2541886050, ClinGen allele CA387378284.
Genomic context (GRCh38, chr12:132,642,639, plus strand): 5'-GGCGCTGCCAGTCCAGGACCCCATAGTTGATCTTGTCAGCCACACAGATAGGCACCAGTG[G>A]GAATTCCTCCAAGACAGGAATTTCACTGGCCAGCCTCTTCAGCTCCCAGCTGGACTGAAC-3'
Protein context (NP_006222.2, residues 1597-1617): ASEIPVLEEF[Pro1607Ser]LVPICVADKI